The following is an entry in ClinVar:

NM_014336.5(AIPL1):c.294del (p.Ile99fs)

Gene: AIPL1 (AIP like 1 HSP90 co-chaperone; minus strand). Cytogenetic location: 17p13.2.
Variant type: Deletion.
Coding change: c.294del on transcript NM_014336.5 (MANE Select); coding-DNA position 294, one base deleted (C; older notation c.294delC).
Protein change: p.Ile99fs; shifts the reading frame from isoleucine 99.
Molecular consequence: frameshift variant. On other transcripts: intron variant (1).
Genome position (GRCh38, 1-based): chr17:6,428,489, G deleted on the plus strand (C on the coding strand, the reverse complement: AIPL1 is on the minus strand); the first of 4 consecutive G bases (chr17:6,428,489-6,428,492); deleting any one gives the same sequence. VCF-style (leftmost placement, unchanged base first): chr17-6428488-TG-T. GRCh37 (hg19) VCF-style: chr17-6331808-TG-T.
Other names: c.114del, p.Ile39fs (NM_001033055.3); c.258del, p.Ile87fs (NM_001285399.3); c.228del, p.Ile77fs (NM_001285400.3); c.294del, p.Ile99fs (NM_001285401.3, NM_001285403.4); c.177del, p.Ile60fs (NM_001285402.2); c.277-1432del (NM_001033054.3); short protein forms I87fs, I99fs, I39fs, I60fs, I77fs.
Identifiers: ClinVar variation 638356 (VCV000638356.6), dbSNP rs1597331616, ClinGen allele CA915949485.

ClinVar aggregate classification (germline): Pathogenic/Likely pathogenic. Review status: criteria provided, multiple submitters, no conflicts (2 of 4 stars). 4 submissions from 2 submitters: Pathogenic (1); Likely pathogenic (3). Last evaluated 2023-10-23.

Conditions:
Retinitis pigmentosa (RP). Identifiers: Orphanet 791, MedGen C0035334, MeSH D012174, MONDO:0019200, OMIM 268000. Inheritance: Autosomal dominant, autosomal recessive and X linked inheritance.
Cone-rod dystrophy 2 (CORD2). Also called: CONE-ROD RETINAL DYSTROPHY; Cone-rod retinal dystrophy 2. Identifiers: Orphanet 1872, MedGen C3489532, MONDO:0007362, OMIM 120970.
Leber congenital amaurosis 4 (LCA4). Identifiers: MedGen C1858386, MONDO:0011458, OMIM 604393.

Submissions (4):

Labcorp Genetics (formerly Invitae), Labcorp
Classification: Pathogenic for Leber congenital amaurosis 4. Last evaluated: 2023-10-23. Review status: criteria provided, single submitter. Criteria: Invitae Variant Classification Sherloc (09022015). Collection method: clinical testing. Allele origin: germline.
Comment: This sequence change creates a premature translational stop signal (p.Ile99Serfs*6) in the AIPL1 gene. It is expected to result in an absent or disrupted protein product. Loss-of-function variants in AIPL1 are known to be pathogenic (PMID: 10615133, 15249368, 15347646). This variant is not present in population databases (gnomAD no frequency). This variant has not been reported in the literature in individuals affected with AIPL1-related conditions. ClinVar contains an entry for this variant (Variation ID: 638356). For these reasons, this variant has been classified as Pathogenic.

Genomic Research Center, Shahid Beheshti University of Medical Sciences
Classification: Likely pathogenic for Retinitis pigmentosa. Last evaluated: 2019-04-27. Review status: criteria provided, single submitter. Criteria: ACMG Guidelines, 2015. Collection method: clinical testing. Allele origin: inherited. Affected: yes.

Genomic Research Center, Shahid Beheshti University of Medical Sciences
Classification: Likely pathogenic for Cone-rod dystrophy 2. Last evaluated: 2019-04-27. Review status: criteria provided, single submitter. Criteria: ACMG Guidelines, 2015. Collection method: clinical testing. Allele origin: inherited. Affected: yes.

Genomic Research Center, Shahid Beheshti University of Medical Sciences
Classification: Likely pathogenic for Leber congenital amaurosis 4. Last evaluated: 2019-04-27. Review status: criteria provided, single submitter. Criteria: ACMG Guidelines, 2015. Collection method: clinical testing. Allele origin: inherited. Affected: yes.

Literature cited by the submitters: PubMed 10615133 (cited by Labcorp Genetics (formerly Invitae), Labcorp); PubMed 15249368 (cited by Labcorp Genetics (formerly Invitae), Labcorp); PubMed 15347646 (cited by Labcorp Genetics (formerly Invitae), Labcorp).